The following is an entry in ClinVar:

NM_000465.4(BARD1):c.1978del (p.Ser660fs)

Gene: BARD1 (BRCA1 associated RING domain 1; minus strand). Cytogenetic location: 2q35.
Variant type: Deletion.
Coding change: c.1978del on transcript NM_000465.4 (MANE Select); coding-DNA position 1978, one base deleted (A; older notation c.1978delA).
Protein change: p.Ser660fs; shifts the reading frame from serine 660.
Molecular consequence: frameshift variant. On other transcripts: non-coding transcript variant (3).
Genome position (GRCh38, 1-based): chr2:214,730,434, T deleted on the plus strand (A on the coding strand, the reverse complement: BARD1 is on the minus strand); the first of 2 consecutive T bases (chr2:214,730,434-214,730,435); deleting either gives the same sequence. VCF-style (leftmost placement, unchanged base first): chr2-214730433-CT-C. GRCh37 (hg19) VCF-style: chr2-215595157-CT-C.
Other names: c.1921del, p.Ser641fs (NM_001282543.2); c.625del, p.Ser209fs (NM_001282545.2); c.568del, p.Ser190fs (NM_001282548.2); c.439del, p.Ser147fs (NM_001282549.2); short protein forms S147fs, S209fs, S641fs, S660fs, S190fs.
Identifiers: ClinVar variation 3479715 (VCV003479715.1).
Genomic context (GRCh38, chr2:214,730,433, plus strand): 5'-TAATAAGAACAATGAAAGTTGTATTAAAAGAAAAATACCAGCTGTTCTCTGTTGAGCCTG[CT>C]TCTGCGTGGACCTTCAGGAATTTCATACTTTTCTTCCTGTTCACATACTTTTCTTCGTAG-3'

ClinVar aggregate classification (germline): Likely pathogenic (1 of 4 stars; one submission).

Conditions:
Hereditary cancer-predisposing syndrome. Also called: Tumor predisposition; Neoplastic Syndromes, Hereditary; Hereditary neoplastic syndrome; Hereditary Cancer Syndrome. Identifiers: Orphanet 140162, MedGen C0027672, MeSH D009386, MONDO:0015356.

Submission:

Ambry Genetics
Classification: Likely pathogenic for Hereditary cancer-predisposing syndrome. Last evaluated: 2024-09-10. Review status: criteria provided, single submitter. Criteria: Ambry Variant Classification Scheme 2023. Collection method: clinical testing. Allele origin: germline.
Comment: The c.1978delA variant, located in coding exon 10 of the BARD1 gene, results from a deletion of one nucleotide at nucleotide position 1978, causing a translational frameshift with a predicted alternate stop codon (p.S660Afs*54). This alteration occurs at the 3' terminus of theBARD1 gene, is not expected to trigger nonsense-mediated mRNA decay, and only impacts the last 15% of the protein. However, premature stop codons are typically deleterious in nature and a significant portion of the protein is affected (Ambry internal data). This variant is considered to be rare based on population cohorts in the Genome Aggregation Database (gnomAD). Based on the majority of available evidence to date, this variant is likely to be pathogenic.